The following is an entry in ClinVar:

NM_001077365.2(POMT1):c.2140T>C (p.Trp714Arg)

Gene: POMT1 (protein O-mannosyltransferase 1; plus strand). Cytogenetic location: 9q34.13.
Variant type: single nucleotide variant.
Coding change: c.2140T>C on transcript NM_001077365.2 (MANE Select); coding-DNA position 2140, T replaced by C.
Protein change: p.Trp714Arg; replaces tryptophan 714 with arginine.
Molecular consequence: missense variant. On other transcripts: non-coding transcript variant (10).
Genome position (GRCh38, 1-based): chr9:131,523,068, T>C. VCF-style: chr9-131523068-T-C. GRCh37 (hg19) VCF-style: chr9-134398455-T-C.
Other names: c.1978T>C, p.Trp660Arg (NM_001077366.2, NM_001353194.2); c.2140T>C, p.Trp714Arg (NM_001136113.2); c.1789T>C, p.Trp597Arg (NM_001136114.2, NM_001353195.2, NM_001374691.1 and 2 more transcripts); c.2206T>C, p.Trp736Arg (NM_001353193.2, NM_007171.4); c.2050T>C, p.Trp684Arg (NM_001353196.2); c.2044T>C, p.Trp682Arg (NM_001353197.2, NM_001353198.2); c.1855T>C, p.Trp619Arg (NM_001353199.2); c.1684T>C, p.Trp562Arg (NM_001353200.2); and 4 more; short protein forms W619R, W682R, W584R, W641R, W660R, W562R, W736R, W337R.
Identifiers: ClinVar variation 2157212 (VCV002157212.1), dbSNP rs2539514187, ClinGen allele CA375315381.

ClinVar aggregate classification (germline): Uncertain significance (1 of 4 stars; one submission).

Conditions:
Muscular dystrophy-dystroglycanopathy (congenital with impaired intellectual development), type B, 1. Also called: Muscular dystrophy-dystroglycanopathy (congenital with intellectual disability), type B1; MUSCULAR DYSTROPHY, CONGENITAL, POMT1-RELATED. Identifiers: MedGen C5436962, MONDO:0013159, OMIM 613155.
Walker-Warburg congenital muscular dystrophy. Also called: Muscular dystrophy-dystroglycanopathy, type A; Walker-Warburg syndrome. Identifiers: Orphanet 899, MedGen C0265221, MONDO:0000171.
Autosomal recessive limb-girdle muscular dystrophy type 2K. Also called: MUSCULAR DYSTROPHY-DYSTROGLYCANOPATHY (LIMB-GIRDLE), TYPE C, 1; MUSCULAR DYSTROPHY, LIMB-GIRDLE, TYPE 2K. Identifiers: Orphanet 86812, MedGen C1836373, MONDO:0012248, OMIM 609308.

Submission:

Labcorp Genetics (formerly Invitae), Labcorp
Classification: Uncertain significance for Muscular dystrophy-dystroglycanopathy (congenital with impaired intellectual development), type B, 1; Walker-Warburg congenital muscular dystrophy; Autosomal recessive limb-girdle muscular dystrophy type 2K. Last evaluated: 2022-08-16. Review status: criteria provided, single submitter. Criteria: Invitae Variant Classification Sherloc (09022015). Collection method: clinical testing. Allele origin: germline.
Comment: This sequence change replaces tryptophan, which is neutral and slightly polar, with arginine, which is basic and polar, at codon 736 of the POMT1 protein (p.Trp736Arg). This variant is not present in population databases (gnomAD no frequency). This variant has not been reported in the literature in individuals affected with POMT1-related conditions. Algorithms developed to predict the effect of missense changes on protein structure and function (SIFT, PolyPhen-2, Align-GVGD) all suggest that this variant is likely to be disruptive. In summary, the available evidence is currently insufficient to determine the role of this variant in disease. Therefore, it has been classified as a Variant of Uncertain Significance.